The following is an entry in ClinVar:

NM_002332.3(LRP1):c.8069-9G>A

Genes: LRP1 (LDL receptor related protein 1; plus strand), MIR1228 (microRNA 1228; plus strand). Cytogenetic location: 12q13.3.
Variant type: single nucleotide variant.
Coding change: c.8069-9G>A on transcript NM_002332.3 (MANE Select); 9 bases into the intron before coding-DNA position 8069, G replaced by A.
Molecular consequence: intron variant. On other transcripts: non-coding transcript variant (1).
Genome position (GRCh38, 1-based): chr12:57,194,568, G>A. VCF-style: chr12-57194568-G-A. GRCh37 (hg19) VCF-style: chr12-57588351-G-A.
Identifiers: ClinVar variation 733780 (VCV000733780.5), dbSNP rs371135526, ClinGen allele CA6644262.
Genomic context (GRCh38, chr12:57,194,568, plus strand): 5'-GCGGGGGCAGGTGTGTGGTGGGTGGTGGCCTGCGGTGAGCAGGGCCCTCACACCTGCCTC[G>A]CCCCCCAGGTGTGAAACGCCCCAGATGCCCTCTGAATTACTTCGCCTGCCCTAGTGGGCG-3'

ClinVar aggregate classification (germline): Likely benign. Review status: criteria provided, single submitter (1 of 4 stars). 2 submissions from 2 submitters: Likely benign (1). 1 of the submissions does not count toward it. Last evaluated 2018-01-19.

Conditions:
LRP1-related disorder. Also called: LRP1-related condition.

Allele frequency attached by ClinVar (database versions not stated): gnomAD 0.00017; ExAC 0.00021; TOPMed 0.00022; ESP Exome Variant Server 0.00038.
gnomAD v4.1: 534 of 1,612,282 alleles (0.033%); highest among the groups gnomAD compares: Non-Finnish European, 0.043%; no homozygotes.

Submissions (2):

Labcorp Genetics (formerly Invitae), Labcorp
Classification: Likely benign. Last evaluated: 2018-01-19. Review status: criteria provided, single submitter. Criteria: Invitae Variant Classification Sherloc (09022015). Collection method: clinical testing. Allele origin: germline.

PreventionGenetics, part of Exact Sciences
Classification: Likely benign for LRP1-related condition. Last evaluated: 2020-09-17. Review status: no assertion criteria provided. Collection method: clinical testing. Allele origin: germline. Not counted in ClinVar's aggregate classification.
Comment: This variant is classified as likely benign based on ACMG/AMP sequence variant interpretation guidelines (Richards et al. 2015 PMID: 25741868, with internal and published modifications).